The following is an entry in ClinVar:

ClinVar aggregate classification (germline): Conflicting classifications of pathogenicity. Review status: criteria provided, conflicting classifications (1 of 4 stars). 6 submissions from 6 submitters: Uncertain significance (1); Likely benign (4). 1 of the submissions does not count toward it. Last evaluated 2026-01-23.

Conditions:
Saldino-Mainzer syndrome (SRTD9). Also called: CONORENAL SYNDROME; SHORT-RIB THORACIC DYSPLASIA 9 WITHOUT POLYDACTYLY; short-rib thoracic dysplasia 9 with or without polydactyly; Renal dysplasia, retinal pigmentary dystrophy, cerebellar ataxia and skeletal dysplasia. Identifiers: Orphanet 140969, MedGen C1849437, MONDO:0009964, OMIM 266920.

Allele frequency attached by ClinVar (database versions not stated): ExAC 0.00022; gnomAD exomes 0.00031; gnomAD 0.00035 and 0.00038; TOPMed 0.00039; ESP Exome Variant Server 0.00062.
gnomAD v4.1: 971 of 1,614,064 alleles (0.06%); highest among the groups gnomAD compares: Non-Finnish European, 0.078%; no homozygotes.

Submissions (6):

Labcorp Genetics (formerly Invitae), Labcorp
Classification: Likely benign for Saldino-Mainzer syndrome. Last evaluated: 2026-01-23. Review status: criteria provided, single submitter. Criteria: Invitae Variant Classification Sherloc (09022015). Collection method: clinical testing. Allele origin: germline.

Blueprint Genetics
Classification: Likely benign. Last evaluated: 2024-10-09. Review status: criteria provided, single submitter. Criteria: ACMG Guidelines, 2015. Collection method: clinical testing. Allele origin: germline.

CeGaT Center for Human Genetics Tuebingen
Classification: Likely benign. Last evaluated: 2022-10-01. Review status: criteria provided, single submitter. Criteria: CeGaT Center For Human Genetics Tuebingen Variant Classification Criteria Version 2. Collection method: clinical testing. Allele origin: germline. Affected: yes. Observed: 1 variant allele.
Comment: IFT140: BP4, BP7

Illumina Laboratory Services, Illumina
Classification: Uncertain significance for Saldino-Mainzer syndrome. Last evaluated: 2018-01-12. Review status: criteria provided, single submitter. Criteria: ICSL Variant Classification Criteria 13 December 2019. Collection method: clinical testing. Allele origin: germline.

Clinical Genetics DNA and cytogenetics Diagnostics Lab, Erasmus MC, Erasmus Medical Center
Classification: Likely benign for Saldino-Mainzer syndrome. Last evaluated: 2017-06-28. Review status: criteria provided, single submitter. Criteria: ACGS Guidelines, 2013. Collection method: clinical testing. Allele origin: germline. Affected: yes. Study: VKGL Data-share Consensus.

Clinical Genetics, Academic Medical Center
Classification: Benign. Review status: no assertion criteria provided. Collection method: clinical testing. Allele origin: germline. Affected: yes. Study: VKGL Data-share Consensus. Not counted in ClinVar's aggregate classification.

NM_014714.4(IFT140):c.3693G>A (p.Thr1231=)

Gene: IFT140 (intraflagellar transport 140; minus strand). Cytogenetic location: 16p13.3.
Variant type: single nucleotide variant.
Coding change: c.3693G>A on transcript NM_014714.4 (MANE Select); coding-DNA position 3693, G replaced by A.
Protein change: p.Thr1231=; no amino-acid change (threonine 1231 retained).
Molecular consequence: synonymous variant.
Genome position (GRCh38, 1-based): chr16:1,520,311, C>T on the plus strand (G>A on the coding strand, the complement: IFT140 is on the minus strand). VCF-style: chr16-1520311-C-T. GRCh37 (hg19) VCF-style: chr16-1570312-C-T.
Identifiers: ClinVar variation 318000 (VCV000318000.43), dbSNP rs144028766, ClinGen allele CA7813059.